The following is an entry in ClinVar:

ClinVar aggregate classification (germline): Uncertain significance. Review status: criteria provided, multiple submitters, no conflicts (2 of 4 stars). 5 submissions from 5 submitters: Uncertain significance (4). 1 of the submissions does not count toward it. Last evaluated 2025-05-01.

Conditions:
Hereditary cancer-predisposing syndrome. Also called: Tumor predisposition; Hereditary Cancer Syndrome; Neoplastic Syndromes, Hereditary; Hereditary neoplastic syndrome. Identifiers: Orphanet 140162, MedGen C0027672, MeSH D009386, MONDO:0015356.
Ataxia-telangiectasia syndrome (AT). Also called: LOUIS-BAR SYNDROME; Cerebello-oculocutaneous telangiectasia; Immunodeficiency with ataxia telangiectasia; ATAXIA-TELANGIECTASIA, COMPLEMENTATION GROUP A; ATAXIA-TELANGIECTASIA, FRESNO VARIANT; Ataxia-telangiectasia. Identifiers: Orphanet 100, MedGen C0004135, MONDO:0008840, OMIM 208900.

Allele frequency attached by ClinVar (database versions not stated): gnomAD exomes below 0.00001; TOPMed below 0.00001; gnomAD 0.00001.
gnomAD v4.1: 2 of 1,566,434 alleles (0.00013%); highest among the groups gnomAD compares: African/African-American, 0.0014%; no homozygotes.

Submissions (5):

Labcorp Genetics (formerly Invitae), Labcorp
Classification: Uncertain significance for Ataxia-telangiectasia syndrome. Last evaluated: 2025-05-01. Review status: criteria provided, single submitter. Criteria: Invitae Variant Classification Sherloc (09022015). Collection method: clinical testing. Allele origin: germline.
Comment: This sequence change replaces serine, which is neutral and polar, with cysteine, which is neutral and slightly polar, at codon 169 of the ATM protein (p.Ser169Cys). This variant is not present in population databases (gnomAD no frequency). This variant has not been reported in the literature in individuals affected with ATM-related conditions. ClinVar contains an entry for this variant (Variation ID: 127398). Invitae Evidence Modeling of protein sequence and biophysical properties (such as structural, functional, and spatial information, amino acid conservation, physicochemical variation, residue mobility, and thermodynamic stability) indicates that this missense variant is not expected to disrupt ATM protein function with a negative predictive value of 95%. In summary, the available evidence is currently insufficient to determine the role of this variant in disease. Therefore, it has been classified as a Variant of Uncertain Significance.

Ambry Genetics
Classification: Uncertain significance for Hereditary cancer-predisposing syndrome. Last evaluated: 2024-04-07. Review status: criteria provided, single submitter. Criteria: Ambry Variant Classification Scheme 2023. Collection method: clinical testing. Allele origin: germline.
Comment: The p.S169C variant (also known as c.506C>G), located in coding exon 5 of the ATM gene, results from a C to G substitution at nucleotide position 506. The serine at codon 169 is replaced by cysteine, an amino acid with dissimilar properties. This amino acid position is not well conserved in available vertebrate species. In addition, this alteration is predicted to be tolerated by in silico analysis. Since supporting evidence is limited at this time, the clinical significance of this alteration remains unclear.

GeneDx
Classification: Uncertain significance. Last evaluated: 2014-03-10. Review status: criteria provided, single submitter. Criteria: GeneDx Variant Classification (06012015). Collection method: clinical testing. Allele origin: germline. Affected: yes.
Comment: This variant is denoted ATM c.506C>G at the cDNA level, p.Ser169Cys (S169C) at the protein level, and results in the change of a Serine to a Cysteine (TCT>TGT). This variant has not, to our knowledge, been published in the literature as pathogenic or benign. ATM Ser169Cys was not observed in approximately 6,500 individuals of European and African American ancestry in the NHLBI Exome Sequencing Project, indicating it is not a common benign variant in these populations. Since Serine and Cysteine differ in polarity, charge, size or other properties, this is considered a non-conservative amino acid substitution and is likely to affect protein integrity. ATM Ser169Cys occurs at a position that is moderately conserved across species and is not located in a known functional domain. In silico analyses predict that this variant is unlikely to alter protein structure or function. Based on currently available information, it is unclear whether ATM Ser169Cys is pathogenic or benign. We consider it to be a variant of uncertain significance.

Breakthrough Genomics
Classification: Uncertain significance. Review status: criteria provided, single submitter. Criteria: ACMG Guidelines, 2015. Collection method: not provided. Allele origin: germline. Inheritance: Autosomal recessive inheritance. Affected: yes.

Natera, Inc.
Classification: Uncertain significance for Ataxia-telangiectasia. Last evaluated: 2020-12-23. Review status: no assertion criteria provided. Collection method: clinical testing. Allele origin: germline. Not counted in ClinVar's aggregate classification.

NM_000051.4(ATM):c.506C>G (p.Ser169Cys)

Gene: ATM (ATM serine/threonine kinase; plus strand). Cytogenetic location: 11q22.3.
Variant type: single nucleotide variant.
Coding change: c.506C>G on transcript NM_000051.4 (MANE Select); coding-DNA position 506, C replaced by G.
Protein change: p.Ser169Cys; replaces serine 169 with cysteine.
Molecular consequence: missense variant.
Genome position (GRCh38, 1-based): chr11:108,243,962, C>G. VCF-style: chr11-108243962-C-G. GRCh37 (hg19) VCF-style: chr11-108114689-C-G.
Other names: p.S169C:TCT>TGT; c.506C>G, p.Ser169Cys (NM_001351834.2); short protein forms S169C.
Identifiers: ClinVar variation 127398 (VCV000127398.21), dbSNP rs587779843, ClinGen allele CA286870.